The following is an entry in ClinVar:

ClinVar aggregate classification (germline): Uncertain significance. Review status: criteria provided, multiple submitters, no conflicts (2 of 4 stars). 2 submissions from 2 submitters: Uncertain significance (2). Last evaluated 2024-05-06.

Conditions:
Autosomal dominant Parkinson disease 8. Also called: LRRK2-Related Parkinson Disease; Parkinson disease 8; Parkinson disease 8, susceptibility to. Identifiers: Orphanet 411602, MedGen C1846862, MONDO:0011764, OMIM 607060.

Allele frequency attached by ClinVar (database versions not stated): gnomAD 0.00001; gnomAD exomes 0.00001; TOPMed 0.00001; ExAC 0.00003.
gnomAD v4.1: 17 of 1,613,124 alleles (0.0011%); highest among the groups gnomAD compares: South Asian, 0.016%; 1 homozygote.

Submissions (2):

Fulgent Genetics
Classification: Uncertain significance for Autosomal dominant Parkinson disease 8. Last evaluated: 2024-05-06. Review status: criteria provided, single submitter. Criteria: ACMG Guidelines, 2015. Collection method: clinical testing. Allele origin: germline.

Labcorp Genetics (formerly Invitae), Labcorp
Classification: Uncertain significance for Autosomal dominant Parkinson disease 8. Last evaluated: 2023-06-19. Review status: criteria provided, single submitter. Criteria: Invitae Variant Classification Sherloc (09022015). Collection method: clinical testing. Allele origin: germline.
Comment: This variant has not been reported in the literature in individuals affected with LRRK2-related conditions. In summary, the available evidence is currently insufficient to determine the role of this variant in disease. Therefore, it has been classified as a Variant of Uncertain Significance. Advanced modeling of protein sequence and biophysical properties (such as structural, functional, and spatial information, amino acid conservation, physicochemical variation, residue mobility, and thermodynamic stability) has been performed at Invitae for this missense variant, however the output from this modeling did not meet the statistical confidence thresholds required to predict the impact of this variant on LRRK2 protein function. This variant is present in population databases (rs199929255, gnomAD 0.02%). This sequence change replaces serine, which is neutral and polar, with arginine, which is basic and polar, at codon 754 of the LRRK2 protein (p.Ser754Arg).

NM_198578.4(LRRK2):c.2262T>A (p.Ser754Arg)

Gene: LRRK2 (leucine rich repeat kinase 2; plus strand). Cytogenetic location: 12q12.
Variant type: single nucleotide variant.
Coding change: c.2262T>A on transcript NM_198578.4 (MANE Select); coding-DNA position 2262, T replaced by A.
Protein change: p.Ser754Arg; replaces serine 754 with arginine.
Molecular consequence: missense variant.
Genome position (GRCh38, 1-based): chr12:40,283,895, T>A. VCF-style: chr12-40283895-T-A. GRCh37 (hg19) VCF-style: chr12-40677697-T-A.
Other names: short protein forms S754R.
Identifiers: ClinVar variation 2885742 (VCV002885742.4), dbSNP rs199929255, ClinGen allele CA6513597.